The following is an entry in ClinVar:

NM_004360.5(CDH1):c.*8G>C

Gene: CDH1 (cadherin 1; plus strand). Cytogenetic location: 16q22.1.
Variant type: single nucleotide variant.
Coding change: c.*8G>C on transcript NM_004360.5 (MANE Select); 8 bases downstream of the stop codon, G replaced by C.
Molecular consequence: 3 prime UTR variant.
Genome position (GRCh38, 1-based): chr16:68,833,507, G>C. VCF-style: chr16-68833507-G-C. GRCh37 (hg19) VCF-style: chr16-68867410-G-C.
Other names: c.*8G>C (NM_001317184.2, NM_001317185.2, NM_001317186.2).
Identifiers: ClinVar variation 3378456 (VCV003378456.1).

ClinVar aggregate classification (germline): Benign (1 of 4 stars; one submission).

Conditions:
Hereditary diffuse gastric adenocarcinoma (HDGC). Also called: DIFFUSE GASTRIC AND LOBULAR BREAST CANCER SYNDROME. Identifiers: Orphanet 26106, MedGen C1708349, MONDO:0007648, OMIM 137215.

Submission:

Myriad Genetics, Inc.
Classification: Benign for Hereditary diffuse gastric adenocarcinoma. Last evaluated: 2024-09-25. Review status: criteria provided, single submitter. Criteria: Myriad Autosomal Dominant, Autosomal Recessive and X-Linked Classification Criteria (2023). Collection method: clinical testing. Allele origin: unknown.
Comment: This variant is considered benign. This variant occurs in the non-coding 3' untranslated region of the gene, and is not expected to impact protein function.